The following is an entry in ClinVar:

NM_004415.4(DSP):c.4900C>T (p.Arg1634Trp)

Gene: DSP (desmoplakin; plus strand). Cytogenetic location: 6p24.3.
Variant type: single nucleotide variant.
Coding change: c.4900C>T on transcript NM_004415.4 (MANE Select); coding-DNA position 4900, C replaced by T.
Protein change: p.Arg1634Trp; replaces arginine 1634 with tryptophan.
Molecular consequence: missense variant. On other transcripts: intron variant (2).
Genome position (GRCh38, 1-based): chr6:7,581,090, C>T. VCF-style: chr6-7581090-C-T. GRCh37 (hg19) VCF-style: chr6-7581323-C-T.
Other names: c.4900C>T (LRG_423t1); c.4050+850C>T (NM_001319034.2); c.3582+1318C>T (NM_001008844.3); short protein forms R1634W.
Identifiers: ClinVar variation 534308 (VCV000534308.15), dbSNP rs973569441, ClinGen allele CA133970510.

ClinVar aggregate classification (germline): Uncertain significance. Review status: criteria provided, multiple submitters, no conflicts (2 of 4 stars). 3 submissions from 3 submitters: Uncertain significance (3). Last evaluated 2023-12-04.

Conditions:
Woolly hair-skin fragility syndrome (WHSF). Identifiers: Orphanet 293165, MedGen C1843292, MONDO:0957307, OMIM 620415.
Cardiomyopathy, dilated, with wooly hair, keratoderma, and tooth agenesis. Also called: Cardiomyopathy, dilated, with woolly hair, keratoderma, and tooth agenesis; Erythrokeratodermia-cardiomyopathy syndrome. Identifiers: Orphanet 476096, Orphanet 65282, MedGen C4014393, MONDO:0014355, OMIM 615821.
Lethal acantholytic epidermolysis bullosa (EBLA). Identifiers: Orphanet 158687, MedGen C1864826, MONDO:0012323, OMIM 609638.
Arrhythmogenic cardiomyopathy with wooly hair and keratoderma. Also called: PALMOPLANTAR KERATODERMA WITH LEFT VENTRICULAR CARDIOMYOPATHY AND WOOLLY HAIR; Carvajal syndrome; Dilated cardiomyopathy with woolly hair and keratoderma; Arrhythmogenic cardiomyopathy with woolly hair and keratoderma. Identifiers: Orphanet 65282, MedGen C1854063, MONDO:0011581, OMIM 605676.
Arrhythmogenic right ventricular dysplasia 8 (ARVD8). Also called: Arrhythmogenic Right Ventricular Dysplasia/Cardiomyopathy 8; ARRHYTHMOGENIC RIGHT VENTRICULAR DYSPLASIA, FAMILIAL, 8; ARRHYTHMOGENIC RIGHT VENTRICULAR CARDIOMYOPATHY 8. Identifiers: MedGen C1843896, MONDO:0011831, OMIM 607450.
Keratosis palmoplantaris striata 2. Also called: Keratosis palmoplantaris striata II; KERATODERMA, PALMOPLANTAR, STRIATE FORM II; STRIATE PALMOPLANTAR KERATODERMA II. Identifiers: MedGen C1852127, MONDO:0013034, OMIM 612908.
Cardiomyopathy (CMYO). Also called: Cardiomyopathies. Identifiers: Orphanet 167848, MedGen C0878544, MONDO:0004994, HP:0001638. Inheritance: Various modes of inheritance.

Allele frequency attached by ClinVar (database versions not stated): TOPMed 0.00001; gnomAD exomes 0.00003.
gnomAD v4.1: 40 of 1,614,010 alleles (0.0025%); highest among the groups gnomAD compares: Non-Finnish European, 0.0033%; no homozygotes.

Submissions (3):

Color Diagnostics, LLC DBA Color Health
Classification: Uncertain significance for Cardiomyopathy. Last evaluated: 2023-12-04. Review status: criteria provided, single submitter. Criteria: ACMG Guidelines, 2015. Collection method: clinical testing. Allele origin: germline.
Comment: This missense variant replaces arginine with tryptophan at codon 1634 of the DSP protein. Computational prediction suggests that this variant may not impact protein structure and function (internally defined REVEL score threshold <= 0.5, PMID: 27666373). To our knowledge, functional studies have not been reported for this variant. This variant has not been reported in individuals affected with DSP-related disorders in the literature. This variant has not been identified in the general population by the Genome Aggregation Database (gnomAD). The available evidence is insufficient to determine the role of this variant in disease conclusively. Therefore, this variant is classified as a Variant of Uncertain Significance.

Labcorp Genetics (formerly Invitae), Labcorp
Classification: Uncertain significance for Arrhythmogenic cardiomyopathy with wooly hair and keratoderma; Arrhythmogenic right ventricular dysplasia 8. Last evaluated: 2022-04-16. Review status: criteria provided, single submitter. Criteria: Invitae Variant Classification Sherloc (09022015). Collection method: clinical testing. Allele origin: germline.
Comment: This sequence change replaces arginine, which is basic and polar, with tryptophan, which is neutral and slightly polar, at codon 1634 of the DSP protein (p.Arg1634Trp). This variant is not present in population databases (gnomAD no frequency). This variant has not been reported in the literature in individuals affected with DSP-related conditions. ClinVar contains an entry for this variant (Variation ID: 534308). Algorithms developed to predict the effect of missense changes on protein structure and function are either unavailable or do not agree on the potential impact of this missense change (SIFT: "Deleterious"; PolyPhen-2: "Possibly Damaging"; Align-GVGD: "Class C0"). In summary, the available evidence is currently insufficient to determine the role of this variant in disease. Therefore, it has been classified as a Variant of Uncertain Significance.

Fulgent Genetics
Classification: Uncertain significance for Arrhythmogenic cardiomyopathy with wooly hair and keratoderma; Arrhythmogenic right ventricular dysplasia 8; Lethal acantholytic epidermolysis bullosa; Keratosis palmoplantaris striata 2; Cardiomyopathy, dilated, with wooly hair, keratoderma, and tooth agenesis. Last evaluated: 2021-09-21. Review status: criteria provided, single submitter. Criteria: ACMG Guidelines, 2015. Collection method: clinical testing. Allele origin: unknown.